The following is an entry in ClinVar:

NM_021005.4(NR2F2):c.410A>G (p.Lys137Arg)

Gene: NR2F2 (nuclear receptor subfamily 2 group F member 2; plus strand). Cytogenetic location: 15q26.2.
Variant type: single nucleotide variant.
Coding change: c.410A>G on transcript NM_021005.4 (MANE Select); coding-DNA position 410, A replaced by G.
Protein change: p.Lys137Arg; replaces lysine 137 with arginine.
Molecular consequence: missense variant. On other transcripts: intron variant (1).
Genome position (GRCh38, 1-based): chr15:96,332,515, A>G. VCF-style: chr15-96332515-A-G. GRCh37 (hg19) VCF-style: chr15-96875744-A-G.
Other names: c.44-1561A>G (NM_001145155.2); short protein forms K137R.
Identifiers: ClinVar variation 3774694 (VCV003774694.2).

ClinVar aggregate classification (germline): Uncertain significance. Review status: criteria provided, multiple submitters, no conflicts (2 of 4 stars). 2 submissions from 2 submitters: Uncertain significance (2). Last evaluated 2026-05-05.

Conditions:
Inborn genetic diseases. Identifiers: MedGen C0950123, MeSH D030342.

Submissions (2):

Ambry Genetics
Classification: Uncertain significance for Inborn genetic diseases. Last evaluated: 2026-05-05. Review status: criteria provided, single submitter. Criteria: Ambry Variant Classification Scheme 2023. Collection method: clinical testing. Allele origin: germline.

GeneDx
Classification: Uncertain significance. Last evaluated: 2024-09-25. Review status: criteria provided, single submitter. Criteria: GeneDx Variant Classification Process June 2021. Collection method: clinical testing. Allele origin: germline. Affected: yes.
Comment: Not observed at significant frequency in large population cohorts (gnomAD); In silico analysis indicates that this missense variant does not alter protein structure/function; Has not been previously published as pathogenic or benign to our knowledge